The following is an entry in ClinVar:

NM_024675.4(PALB2):c.3501A>G (p.Thr1167=)

Gene: PALB2 (partner and localizer of BRCA2; minus strand). Cytogenetic location: 16p12.2.
Variant type: single nucleotide variant.
Coding change: c.3501A>G on transcript NM_024675.4 (MANE Select); coding-DNA position 3501, A replaced by G.
Protein change: p.Thr1167=; no amino-acid change (threonine 1167 retained).
Molecular consequence: synonymous variant. On other transcripts: 3 prime UTR variant (5).
Genome position (GRCh38, 1-based): chr16:23,603,519, T>C on the plus strand (A>G on the coding strand, the complement: PALB2 is on the minus strand). VCF-style: chr16-23603519-T-C. GRCh37 (hg19) VCF-style: chr16-23614840-T-C.
Other names: c.3441A>G, p.Thr1147= (NM_001407296.1); c.3429A>G, p.Thr1143= (NM_001407297.1); c.3339A>G, p.Thr1113= (NM_001407298.1); c.3264A>G, p.Thr1088= (NM_001407299.1); c.3222A>G, p.Thr1074= (NM_001407300.1); c.*136A>G (NM_001407301.1, NM_001407302.1, NM_001407310.1 and 2 more transcripts); c.2616A>G, p.Thr872= (NM_001407304.1, NM_001407305.1, NM_001407306.1); c.2454A>G, p.Thr818= (NM_001407307.1); and 3 more.
Identifiers: ClinVar variation 2453301 (VCV002453301.5), dbSNP rs2506195792, ClinGen allele CA494173553.

ClinVar aggregate classification (germline): Benign/Likely benign. Review status: criteria provided, multiple submitters, no conflicts (2 of 4 stars). 3 submissions from 3 submitters: Benign (1); Likely benign (2). Last evaluated 2025-01-22.

Conditions:
Familial cancer of breast. Also called: BREAST CANCER, FAMILIAL; Hereditary breast cancer; hereditary breast carcinoma. Identifiers: Orphanet 227535, MedGen C0346153, MONDO:0016419, OMIM 114480. Disease mechanism: loss of function.
Hereditary cancer-predisposing syndrome. Also called: Neoplastic Syndromes, Hereditary; Tumor predisposition; Hereditary neoplastic syndrome; Hereditary Cancer Syndrome. Identifiers: Orphanet 140162, MedGen C0027672, MeSH D009386, MONDO:0015356.

Submissions (3):

Myriad Genetics, Inc.
Classification: Benign for Familial cancer of breast. Last evaluated: 2025-01-22. Review status: criteria provided, single submitter. Criteria: Myriad Autosomal Dominant, Autosomal Recessive and X-Linked Classification Criteria (2023). Collection method: clinical testing. Allele origin: unknown.
Comment: This variant is considered benign. This variant is a silent/synonymous amino acid change and it is not expected to impact splicing.

Labcorp Genetics (formerly Invitae), Labcorp
Classification: Likely benign for Familial cancer of breast. Last evaluated: 2024-09-02. Review status: criteria provided, single submitter. Criteria: Invitae Variant Classification Sherloc (09022015). Collection method: clinical testing. Allele origin: germline.

Ambry Genetics
Classification: Likely benign for Hereditary cancer-predisposing syndrome. Last evaluated: 2023-01-14. Review status: criteria provided, single submitter. Criteria: Ambry Variant Classification Scheme 2023. Collection method: clinical testing. Allele origin: germline.